The following is an entry in ClinVar:

NM_000077.5(CDKN2A):c.340_343dup (p.Val115fs)

Gene: CDKN2A (cyclin dependent kinase inhibitor 2A; minus strand). Cytogenetic location: 9p21.3.
Variant type: Duplication.
Coding change: c.340_343dup on transcript NM_000077.5; coding-DNA positions 340 to 343, 4 bases duplicated (CCCG; older notation c.340_343dupCCCG).
Protein change: p.Val115fs; shifts the reading frame from valine 115.
Molecular consequence: frameshift variant (on NM_000077.4). On other transcripts: 3 prime UTR variant (1).
Genome position (GRCh38, 1-based): chr9:21,971,016-21,971,019, CGGG duplicated on the plus strand (CCCG on the coding strand, the reverse complement: CDKN2A is on the minus strand); duplicating any 4 consecutive bases within chr9:21,971,016-21,971,020 gives the same sequence; the c. name uses the placement nearest the transcript's 3' end. VCF-style (leftmost placement, unchanged base first): chr9-21971015-A-ACGGG. GRCh37 (hg19) VCF-style: chr9-21971014-A-ACGGG.
Other names: c.340_343dupCCCG (NM_000077.4); c.339_342dup, p.Val115Alafs (NM_000077.6); c.340_343dup, p.Val115fs (NM_001195132.2); c.187_190dup, p.Val64fs (NM_001363763.2); c.383_386dup, p.Gly130fs (NM_058195.4); c.*263_*266dup (NM_058197.5); short protein forms V115fs, V64fs, G130fs.
Identifiers: ClinVar variation 233503 (VCV000233503.6), dbSNP rs1554653976, ClinGen allele CA10578836.

ClinVar aggregate classification (germline): Pathogenic (1 of 4 stars; one submission).

Conditions:
Hereditary cancer-predisposing syndrome. Also called: Neoplastic Syndromes, Hereditary; Hereditary Cancer Syndrome; Tumor predisposition; Hereditary neoplastic syndrome. Identifiers: Orphanet 140162, MedGen C0027672, MeSH D009386, MONDO:0015356.

Submission:

Ambry Genetics
Classification: Pathogenic for Hereditary cancer-predisposing syndrome. Last evaluated: 2025-11-24. Review status: criteria provided, single submitter. Criteria: Ambry Variant Classification Scheme 2023. Collection method: clinical testing. Allele origin: germline.
Comment: The c.340_343dupCCCG pathogenic mutation, located in coding exon 2 of the CDKN2A gene, results from a duplication of CCCG at nucleotide position 340, causing a translational frameshift with a predicted alternate stop codon (p.V115Afs*6). This variant is considered to be rare based on population cohorts in the Genome Aggregation Database (gnomAD). This alteration is expected to result in loss of function by premature protein truncation or nonsense-mediated mRNA decay. As such, this alteration is interpreted as a disease-causing mutation.